The following is an entry in ClinVar:

ClinVar aggregate classification (germline): Uncertain significance (1 of 4 stars; one submission).

Allele frequency attached by ClinVar (database versions not stated): ExAC 0.00001; gnomAD 0.00001; gnomAD exomes 0.00002.
gnomAD v4.1: 76 of 1,613,764 alleles (0.0047%); highest among the groups gnomAD compares: Non-Finnish European, 0.0062%; no homozygotes.

Submission:

Labcorp Genetics (formerly Invitae), Labcorp
Classification: Uncertain significance. Last evaluated: 2022-08-10. Review status: criteria provided, single submitter. Criteria: Invitae Variant Classification Sherloc (09022015). Collection method: clinical testing. Allele origin: germline.
Comment: This sequence change replaces glutamine, which is neutral and polar, with histidine, which is basic and polar, at codon 160 of the ERCC6 protein (p.Gln160His). This variant is present in population databases (rs769850417, gnomAD 0.004%). This variant has not been reported in the literature in individuals affected with ERCC6-related conditions. ClinVar contains an entry for this variant (Variation ID: 1516469). Algorithms developed to predict the effect of missense changes on protein structure and function are either unavailable or do not agree on the potential impact of this missense change (SIFT: "Deleterious"; PolyPhen-2: "Benign"; Align-GVGD: "Class C15"). In summary, the available evidence is currently insufficient to determine the role of this variant in disease. Therefore, it has been classified as a Variant of Uncertain Significance.

NM_000124.4(ERCC6):c.480A>T (p.Gln160His)

Gene: ERCC6 (ERCC excision repair 6, chromatin remodeling factor; minus strand). Cytogenetic location: 10q11.23.
Variant type: single nucleotide variant.
Coding change: c.480A>T on transcript NM_000124.4 (MANE Select); coding-DNA position 480, A replaced by T.
Protein change: p.Gln160His; replaces glutamine 160 with histidine.
Molecular consequence: missense variant.
Genome position (GRCh38, 1-based): chr10:49,530,783, T>A on the plus strand (A>T on the coding strand, the complement: ERCC6 is on the minus strand). VCF-style: chr10-49530783-T-A. GRCh37 (hg19) VCF-style: chr10-50738829-T-A.
Other names: c.480A>T, p.Gln160His (NM_001277058.2, NM_001277059.2, NM_001346440.2); short protein forms Q160H.
Identifiers: ClinVar variation 1516469 (VCV001516469.3), dbSNP rs769850417, ClinGen allele CA5496525.